The following is an entry in ClinVar:

ClinVar aggregate classification (germline): Uncertain significance (1 of 4 stars; one submission).

Submission:

GeneDx
Classification: Uncertain significance. Last evaluated: 2025-02-10. Review status: criteria provided, single submitter. Criteria: GeneDx Variant Classification Process June 2021. Collection method: clinical testing. Allele origin: germline. Affected: yes.
Comment: Not observed at significant frequency in large population cohorts (gnomAD); In silico analysis supports that this missense variant has a deleterious effect on protein structure/function; Has not been previously published as pathogenic or benign to our knowledge

NM_001257293.2(HNRNPH1):c.25G>C (p.Glu9Gln)

Genes: HNRNPH1 (heterogeneous nuclear ribonucleoprotein H1; minus strand), LOC128966623 (uncharacterized LOC128966623; plus strand). Cytogenetic location: 5q35.3.
Variant type: single nucleotide variant.
Coding change: c.25G>C on transcript NM_001257293.2 (MANE Select); coding-DNA position 25, G replaced by C.
Protein change: p.Glu9Gln; replaces glutamic acid 9 with glutamine.
Molecular consequence: missense variant. On other transcripts: 5 prime UTR variant (8).
Genome position (GRCh38, 1-based): chr5:179,623,109, C>G on the plus strand (G>C on the coding strand, the complement: HNRNPH1 is on the minus strand). VCF-style: chr5-179623109-C-G. GRCh37 (hg19) VCF-style: chr5-179050110-C-G.
Other names: c.25G>C, p.Glu9Gln (NM_001363572.2, NM_001364225.2, NM_001364226.2 and 40 more transcripts); c.-440G>C (NM_001364251.2, NM_001364252.2, NM_001364253.2 and 4 more transcripts); c.-341G>C (NM_001395190.1); short protein forms E9Q.
Identifiers: ClinVar variation 4074329 (VCV004074329.1).